The following is an entry in ClinVar:

NM_003661.4(APOL1):c.1104T>G (p.Ala368=)

Gene: APOL1 (apolipoprotein L1; plus strand). Cytogenetic location: 22q12.3.
Variant type: single nucleotide variant.
Coding change: c.1104T>G on transcript NM_003661.4 (MANE Select); coding-DNA position 1104, T replaced by G.
Protein change: p.Ala368=; no amino-acid change (alanine 368 retained).
Molecular consequence: synonymous variant.
Genome position (GRCh38, 1-based): chr22:36,265,940, T>G. VCF-style: chr22-36265940-T-G. GRCh37 (hg19) VCF-style: chr22-36661986-T-G.
Other names: c.1104T>G, p.Ala368= (NM_001136540.2); c.1050T>G, p.Ala350= (NM_001136541.2, NM_001362927.2); c.1152T>G, p.Ala384= (NM_145343.3).
Identifiers: ClinVar variation 634950 (VCV000634950.11), dbSNP rs1428826948, ClinGen allele CA514473370.

ClinVar aggregate classification (germline): Likely benign; risk factor. Review status: criteria provided, multiple submitters, no conflicts (2 of 4 stars). 2 submissions from 2 submitters: Likely benign (1). Last evaluated 2025-06-12.

Conditions:
Focal segmental glomerulosclerosis 4, susceptibility to (FSGS4). Identifiers: Orphanet 84271, MedGen C2675525, MONDO:0012931, OMIM 612551.

Allele frequency attached by ClinVar (database versions not stated): gnomAD exomes 0.00001.

Submissions (2):

Labcorp Genetics (formerly Invitae), Labcorp
Classification: Likely benign. Last evaluated: 2025-06-12. Review status: criteria provided, single submitter. Criteria: Invitae Variant Classification Sherloc (09022015). Collection method: clinical testing. Allele origin: germline.

Molecular Diagnostics Lab, Nemours Children's Health, Delaware
Classification: risk factor for Focal segmental glomerulosclerosis 4, susceptibility to. Last evaluated: 2015-02-27. Review status: criteria provided, single submitter. Criteria: ACMG Guidelines, 2015. Collection method: clinical testing. Allele origin: biparental. Affected: yes and no. Observed: 7 variant alleles. Clinical features observed: proteinuria, glomerulonephritis (chronic and hereditary), Vitamin D deficiency.
Comment: G1 (when found with c.1024A>G)

Literature cited by the submitters: PubMed 20647424 (cited by Molecular Diagnostics Lab, Nemours Children's Health, Delaware).